The following is an entry in ClinVar:

NM_015915.5(ATL1):c.-19C>T

Genes: ATL1 (atlastin GTPase 1; plus strand), MAP4K5 (mitogen-activated protein kinase kinase kinase kinase 5; minus strand). Cytogenetic location: 14q22.1.
Variant type: single nucleotide variant.
Coding change: c.-19C>T on transcript NM_015915.5 (MANE Select); 19 bases upstream of the start codon, C replaced by T.
Molecular consequence: 5 prime UTR variant.
Genome position (GRCh38, 1-based): chr14:50,560,247, C>T. VCF-style: chr14-50560247-C-T. GRCh37 (hg19) VCF-style: chr14-51026965-C-T.
Other names: c.-19C>T (NM_001127713.1, NM_181598.4).
Identifiers: ClinVar variation 4847960 (VCV004847960.1).
Genomic context (GRCh38, chr14:50,560,247, plus strand): 5'-CACCGCCAGCAACCTGCGGCCCCGGAGAAGGCAGCGAGCGCAGTGACAGCGCCTCACCGC[C>T]ACCAGCTCCTGGACCACCATGGCCAAGAACCGCAGGGACAGAAACAGTTGGGGTGAGTAG-3'

ClinVar aggregate classification (germline): Uncertain significance (1 of 4 stars; one submission).

gnomAD v4.1: 5 of 1,613,684 alleles (0.00031%); highest among the groups gnomAD compares: African/African-American, 0.0053%; no homozygotes.

Submission:

Women's Health and Genetics/Laboratory Corporation of America, LabCorp
Classification: Uncertain significance. Last evaluated: 2026-02-09. Review status: criteria provided, single submitter. Criteria: LabCorp Variant Classification Summary - May 2015. Collection method: clinical testing. Allele origin: germline.
Comment: Variant summary: ATL1 c.-19C>T is located in the untranslated mRNA region upstream of the initiation codon. The variant allele was found at a frequency of 4e-06 in 249236 control chromosomes. The available data on variant occurrences in the general population are insufficient to allow any conclusion about variant significance. To our knowledge, no occurrence of c.-19C>T in individuals affected with ATL1-related conditions and no experimental evidence demonstrating its impact on protein function have been reported. No submitters have cited clinical-significance assessments for this variant to ClinVar. Based on the evidence outlined above, the variant was classified as uncertain significance.